The following is an entry in ClinVar:

NM_003640.5(ELP1):c.2222C>G (p.Ala741Gly)

Gene: ELP1 (elongator acetyltransferase complex subunit 1; minus strand). Cytogenetic location: 9q31.3.
Variant type: single nucleotide variant.
Coding change: c.2222C>G on transcript NM_003640.5 (MANE Select); coding-DNA position 2222, C replaced by G.
Protein change: p.Ala741Gly; replaces alanine 741 with glycine.
Molecular consequence: missense variant.
Genome position (GRCh38, 1-based): chr9:108,898,732, G>C on the plus strand (C>G on the coding strand, the complement: ELP1 is on the minus strand). VCF-style: chr9-108898732-G-C. GRCh37 (hg19) VCF-style: chr9-111661012-G-C.
Other names: c.1880C>G, p.Ala627Gly (NM_001318360.2); c.1175C>G, p.Ala392Gly (NM_001330749.2); short protein forms A392G, A741G, A627G.
Identifiers: ClinVar variation 4762070 (VCV004762070.1).

ClinVar aggregate classification (germline): Uncertain significance (1 of 4 stars; one submission).

gnomAD v4.1: 2 of 1,610,618 alleles (0.00012%); highest among the groups gnomAD compares: Non-Finnish European, 0.00017%; no homozygotes.

Submission:

Labcorp Genetics (formerly Invitae), Labcorp
Classification: Uncertain significance. Last evaluated: 2025-04-08. Review status: criteria provided, single submitter. Criteria: Invitae Variant Classification Sherloc (09022015). Collection method: clinical testing. Allele origin: germline.
Comment: This sequence change replaces alanine, which is neutral and non-polar, with glycine, which is neutral and non-polar, at codon 741 of the ELP1 protein (p.Ala741Gly). This variant is present in population databases (no rsID available, gnomAD 0.002%). This variant has not been reported in the literature in individuals affected with ELP1-related conditions. Invitae Evidence Modeling of protein sequence and biophysical properties (such as structural, functional, and spatial information, amino acid conservation, physicochemical variation, residue mobility, and thermodynamic stability) indicates that this missense variant is expected to disrupt ELP1 protein function with a positive predictive value of 80%. In summary, the available evidence is currently insufficient to determine the role of this variant in disease. Therefore, it has been classified as a Variant of Uncertain Significance.